The following is an entry in ClinVar:

NM_000214.3(JAG1):c.2270del (p.Gly757fs)

Gene: JAG1 (jagged canonical Notch ligand 1; minus strand). Cytogenetic location: 20p12.2.
Variant type: Deletion.
Coding change: c.2270del on transcript NM_000214.3 (MANE Select); coding-DNA position 2270, one base deleted (G; older notation c.2270delG).
Protein change: p.Gly757fs; shifts the reading frame from glycine 757.
Molecular consequence: frameshift variant.
Genome position (GRCh38, 1-based): chr20:10,644,937, C deleted on the plus strand (G on the coding strand, the reverse complement: JAG1 is on the minus strand); the first of 5 consecutive C bases (chr20:10,644,937-10,644,941); deleting any one gives the same sequence. VCF-style (leftmost placement, unchanged base first): chr20-10644936-GC-G. GRCh37 (hg19) VCF-style: chr20-10625584-GC-G.
Other names: short protein forms G757fs.
Identifiers: ClinVar variation 2633547 (VCV002633547.2), dbSNP rs886043605, ClinGen allele CA2695201373.

ClinVar aggregate classification (germline): Likely pathogenic (1 of 4 stars; one submission).

Conditions:
JAG1-related disorder. Also called: JAG1-related disorders; JAG1-related condition.

Submission:

PreventionGenetics, part of Exact Sciences
Classification: Likely pathogenic for JAG1-related condition. Last evaluated: 2026-06-26. Review status: criteria provided, single submitter. Criteria: ACMG Guidelines, 2015. Collection method: clinical testing. Allele origin: germline.
Comment: The JAG1 c.2270delG variant is predicted to result in a frameshift and premature protein termination (p.Gly757Alafs*63). To our knowledge, this variant has not been reported in the literature or in a large population database (gnomad), indicating this variant is rare. Frameshift variants in JAG1 are expected to be pathogenic. This variant is interpreted as likely pathogenic.